The following is an entry in ClinVar:

NM_001127671.2(LIFR):c.2611C>T (p.Pro871Ser)

Gene: LIFR (LIF receptor subunit alpha; minus strand). Cytogenetic location: 5p13.1.
Variant type: single nucleotide variant.
Coding change: c.2611C>T on transcript NM_001127671.2 (MANE Select); coding-DNA position 2611, C replaced by T.
Protein change: p.Pro871Ser; replaces proline 871 with serine.
Molecular consequence: missense variant.
Genome position (GRCh38, 1-based): chr5:38,482,648, G>A on the plus strand (C>T on the coding strand, the complement: LIFR is on the minus strand). VCF-style: chr5-38482648-G-A. GRCh37 (hg19) VCF-style: chr5-38482750-G-A.
Other names: c.2611C>T, p.Pro871Ser (NM_001364297.2, NM_002310.6); c.2578C>T, p.Pro860Ser (NM_001364298.2); short protein forms P860S, P871S.
Identifiers: ClinVar variation 1896596 (VCV001896596.5), dbSNP rs2530939365, ClinGen allele CA359534665.

ClinVar aggregate classification (germline): Uncertain significance (1 of 4 stars; one submission).

Submission:

Labcorp Genetics (formerly Invitae), Labcorp
Classification: Uncertain significance. Last evaluated: 2022-05-07. Review status: criteria provided, single submitter. Criteria: Invitae Variant Classification Sherloc (09022015). Collection method: clinical testing. Allele origin: germline.
Comment: In summary, the available evidence is currently insufficient to determine the role of this variant in disease. Therefore, it has been classified as a Variant of Uncertain Significance. Algorithms developed to predict the effect of missense changes on protein structure and function are either unavailable or do not agree on the potential impact of this missense change (SIFT: "Tolerated"; PolyPhen-2: "Probably Damaging"; Align-GVGD: "Class C0"). This variant has not been reported in the literature in individuals affected with LIFR-related conditions. This variant is not present in population databases (gnomAD no frequency). This sequence change replaces proline, which is neutral and non-polar, with serine, which is neutral and polar, at codon 871 of the LIFR protein (p.Pro871Ser).